The following is an entry in ClinVar:

ClinVar aggregate classification (germline): Uncertain significance. Review status: criteria provided, multiple submitters, no conflicts (2 of 4 stars). 4 submissions from 4 submitters: Uncertain significance (4). Last evaluated 2022-05-09.

Conditions:
Inborn genetic diseases. Identifiers: MedGen C0950123, MeSH D030342.

Allele frequency attached by ClinVar (database versions not stated): gnomAD 0.00002 and 0.00005; TOPMed 0.00002; gnomAD exomes 0.00003 and 0.00005; ExAC 0.00006.
gnomAD v4.1: 55 of 1,614,106 alleles (0.0034%); highest among the groups gnomAD compares: Middle Eastern, 0.31%; 1 homozygote.

Submissions (4):

Labcorp Genetics (formerly Invitae), Labcorp
Classification: Uncertain significance. Last evaluated: 2022-05-09. Review status: criteria provided, single submitter. Criteria: Invitae Variant Classification Sherloc (09022015). Collection method: clinical testing. Allele origin: germline.
Comment: This sequence change replaces histidine, which is basic and polar, with asparagine, which is neutral and polar, at codon 399 of the WDR4 protein (p.His399Asn). This variant is present in population databases (rs540138953, gnomAD 0.02%). This variant has not been reported in the literature in individuals affected with WDR4-related conditions. Algorithms developed to predict the effect of missense changes on protein structure and function (SIFT, PolyPhen-2, Align-GVGD) all suggest that this variant is likely to be tolerated. In summary, the available evidence is currently insufficient to determine the role of this variant in disease. Therefore, it has been classified as a Variant of Uncertain Significance.

Ambry Genetics
Classification: Uncertain significance for Inborn genetic diseases. Last evaluated: 2021-06-23. Review status: criteria provided, single submitter. Criteria: Ambry Variant Classification Scheme 2023. Collection method: clinical testing. Allele origin: germline.

Revvity Omics, Revvity
Classification: Uncertain significance. Last evaluated: 2020-09-04. Review status: criteria provided, single submitter. Criteria: ACMG Guidelines, 2015. Collection method: clinical testing. Allele origin: germline.

Breakthrough Genomics
Classification: Uncertain significance. Review status: criteria provided, single submitter. Criteria: ACMG Guidelines, 2015. Collection method: not provided. Allele origin: germline. Inheritance: Autosomal dominant inheritance. Affected: yes.

NM_018669.6(WDR4):c.1195C>A (p.His399Asn)

Gene: WDR4 (WDR4 tRNA N7-guanosine methyltransferase non-catalytic subunit; minus strand). Cytogenetic location: 21q22.3.
Variant type: single nucleotide variant.
Coding change: c.1195C>A on transcript NM_018669.6 (MANE Select); coding-DNA position 1195, C replaced by A.
Protein change: p.His399Asn; replaces histidine 399 with asparagine.
Molecular consequence: missense variant. On other transcripts: non-coding transcript variant (1).
Genome position (GRCh38, 1-based): chr21:42,850,093, G>T on the plus strand (C>A on the coding strand, the complement: WDR4 is on the minus strand). VCF-style: chr21-42850093-G-T. GRCh37 (hg19) VCF-style: chr21-44270203-G-T.
Other names: c.1195C>A (NM_033661.4, NM_018669.4); c.1192C>A, p.His398Asn (NM_001260474.2); c.757C>A, p.His253Asn (NM_001260475.2, NM_001260476.2, NM_001260477.2); c.1195C>A, p.His399Asn (NM_033661.5); short protein forms H398N, H399N, H253N.
Identifiers: ClinVar variation 1482224 (VCV001482224.8), dbSNP rs540138953, ClinGen allele CA10045751.